The following is an entry in ClinVar:

NM_020207.7(ERCC6L2):c.1161G>A (p.Met387Ile)

Gene: ERCC6L2 (ERCC excision repair 6 like 2; plus strand). Cytogenetic location: 9q22.32.
Variant type: single nucleotide variant.
Coding change: c.1161G>A on transcript NM_020207.7 (MANE Select); coding-DNA position 1161, G replaced by A.
Protein change: p.Met387Ile; replaces methionine 387 with isoleucine.
Molecular consequence: missense variant. On other transcripts: non-coding transcript variant (1).
Genome position (GRCh38, 1-based): chr9:95,921,177, G>A. VCF-style: chr9-95921177-G-A. GRCh37 (hg19) VCF-style: chr9-98683459-G-A.
Other names: c.1161G>A, p.Met387Ile (NM_001010895.4, NM_001375291.1, NM_001375292.1 and 2 more transcripts); short protein forms M387I.
Identifiers: ClinVar variation 3661788 (VCV003661788.3).
Genomic context (GRCh38, chr9:95,921,177, plus strand): 5'-ATTTTTATTATTGTTATAAACAAAATACTAATAACTACCTTGTATTTTATCTTGGCAGAT[G>A]GTGTATTGTTCTTTGACAGATTTCCAGAAAGCTGTCTATCAAACAGTGTTAGAAACAGAG-3'
Protein context (NP_064592.3, residues 377-397): KDQLPKKEDR[Met387Ile]VYCSLTDFQK

ClinVar aggregate classification (germline): Uncertain significance. Review status: criteria provided, multiple submitters, no conflicts (2 of 4 stars). 2 submissions from 2 submitters: Uncertain significance (2). Last evaluated 2025-05-10.

Conditions:
Inborn genetic diseases. Identifiers: MedGen C0950123, MeSH D030342.

Submissions (2):

Ambry Genetics
Classification: Uncertain significance for Inborn genetic diseases. Last evaluated: 2025-05-10. Review status: criteria provided, single submitter. Criteria: Ambry Variant Classification Scheme 2023. Collection method: clinical testing. Allele origin: germline.
Comment: The p.M387I variant (also known as c.1161G>A), located in coding exon 7 of the ERCC6L2 gene, results from a G to A substitution at nucleotide position 1161. The methionine at codon 387 is replaced by isoleucine, an amino acid with highly similar properties. This amino acid position is conserved. In addition, this alteration is predicted to be tolerated by in silico analysis. Based on the available evidence, the clinical significance of this variant remains unclear.

Labcorp Genetics (formerly Invitae), Labcorp
Classification: Uncertain significance. Last evaluated: 2024-08-08. Review status: criteria provided, single submitter. Criteria: Invitae Variant Classification Sherloc (09022015). Collection method: clinical testing. Allele origin: germline.
Comment: This sequence change replaces methionine, which is neutral and non-polar, with isoleucine, which is neutral and non-polar, at codon 398 of the ERCC6L2 protein (p.Met398Ile). This variant is not present in population databases (gnomAD no frequency). This variant has not been reported in the literature in individuals affected with ERCC6L2-related conditions. An algorithm developed to predict the effect of missense changes on protein structure and function outputs the following: PolyPhen-2: "Not Available". The isoleucine amino acid residue is found in multiple mammalian species, which suggests that this missense change does not adversely affect protein function. In summary, the available evidence is currently insufficient to determine the role of this variant in disease. Therefore, it has been classified as a Variant of Uncertain Significance.